The following is an entry in ClinVar:

NM_001369.3(DNAH5):c.11141_11143delinsATGCAGAATGGGAGGGAGCCGC (p.Ile3714fs)

Gene: DNAH5 (dynein axonemal heavy chain 5; minus strand). Cytogenetic location: 5p15.2.
Variant type: Indel.
Coding change: c.11141_11143delinsATGCAGAATGGGAGGGAGCCGC on transcript NM_001369.3 (MANE Select); coding-DNA positions 11141 to 11143, TTG replaced by ATGCAGAATGGGAGGGAGCCGC.
Protein change: p.Ile3714fs; shifts the reading frame from isoleucine 3714.
Molecular consequence: frameshift variant.
Genome position (GRCh38, 1-based): chr5:13,751,146-13,751,148, CAA replaced by GCGGCTCCCTCCCATTCTGCAT on the plus strand (TTG replaced by ATGCAGAATGGGAGGGAGCCGC on the coding strand, the reverse complement: DNAH5 is on the minus strand). VCF-style: chr5-13751146-CAA-GCGGCTCCCTCCCATTCTGCAT. GRCh37 (hg19) VCF-style: chr5-13751255-CAA-GCGGCTCCCTCCCATTCTGCAT.
Other names: short protein forms I3714fs.
Identifiers: ClinVar variation 5010429 (VCV005010429.1).

ClinVar aggregate classification (germline): Pathogenic (1 of 4 stars; one submission).

Conditions:
Primary ciliary dyskinesia 3. Identifiers: Orphanet 244, MedGen C1837618, MONDO:0012085, OMIM 608644.

Submission:

Myriad Genetics, Inc.
Classification: Pathogenic for Primary ciliary dyskinesia 3. Last evaluated: 2024-05-14. Review status: criteria provided, single submitter. Criteria: Myriad Autosomal Dominant, Autosomal Recessive and X-Linked Classification Criteria (2023). Collection method: clinical testing. Allele origin: unknown.
Comment: NM_001369.2(DNAH5):c.11141_11143del3ins22(I3714Nfs*56) is expected to be pathogenic in the context of primary ciliary dyskinesia, DNAH5-related. This variant is predicted to lead to an abnormal or absent protein product due to the creation of a premature termination codon in DNAH5, a gene where loss-of-function variants are known to be pathogenic. Please note: this variant was assessed in the context of healthy population screening.